The following is an entry in ClinVar:

NM_000341.4(SLC3A1):c.1945G>A (p.Glu649Lys)

Genes: PREPL (prolyl endopeptidase like; minus strand), SLC3A1 (solute carrier family 3 member 1; plus strand). Cytogenetic location: 2p21.
Variant type: single nucleotide variant.
Coding change: c.1945G>A on transcript NM_000341.4 (MANE Select); coding-DNA position 1945, G replaced by A.
Protein change: p.Glu649Lys; replaces glutamic acid 649 with lysine.
Molecular consequence: missense variant. On other transcripts: 3 prime UTR variant (10).
Genome position (GRCh38, 1-based): chr2:44,320,526, G>A. VCF-style: chr2-44320526-G-A. GRCh37 (hg19) VCF-style: chr2-44547665-G-A.
Other names: c.*830C>T (NM_001042385.2, NM_001042386.2, NM_001171603.1 and 7 more transcripts); short protein forms E649K.
Identifiers: ClinVar variation 2734180 (VCV002734180.4), dbSNP rs1484579709, ClinGen allele CA346687379.

ClinVar aggregate classification (germline): Conflicting classifications of pathogenicity. Review status: criteria provided, conflicting classifications (1 of 4 stars). 2 submissions from 2 submitters: Likely pathogenic (1); Uncertain significance (1). Last evaluated 2024-05-22.

Conditions:
Cystinuria (CSNU). Also called: Cystinuria, non-type I; CYSTINURIA, TYPE I; CYSTINURIA, TYPE II; CYSTINURIA, TYPE III. Identifiers: Orphanet 214, MedGen C0010691, MONDO:0009067, OMIM 220100, HP:0003131.

Submissions (2):

Fulgent Genetics
Classification: Likely pathogenic for Cystinuria. Last evaluated: 2024-05-22. Review status: criteria provided, single submitter. Criteria: ACMG Guidelines, 2015. Collection method: clinical testing. Allele origin: germline.

Labcorp Genetics (formerly Invitae), Labcorp
Classification: Uncertain significance for Cystinuria. Last evaluated: 2022-11-24. Review status: criteria provided, single submitter. Criteria: Invitae Variant Classification Sherloc (09022015). Collection method: clinical testing. Allele origin: germline.
Comment: This sequence change replaces glutamic acid, which is acidic and polar, with lysine, which is basic and polar, at codon 649 of the SLC3A1 protein (p.Glu649Lys). In summary, the available evidence is currently insufficient to determine the role of this variant in disease. Therefore, it has been classified as a Variant of Uncertain Significance. Advanced modeling of protein sequence and biophysical properties (such as structural, functional, and spatial information, amino acid conservation, physicochemical variation, residue mobility, and thermodynamic stability) has been performed at Invitae for this missense variant, however the output from this modeling did not meet the statistical confidence thresholds required to predict the impact of this variant on SLC3A1 protein function. This missense change has been observed in individual(s) with cystinuria (PMID: 19782624; Invitae). This variant is not present in population databases (gnomAD no frequency).

Literature cited by the submitters: PubMed 19782624 (cited by Labcorp Genetics (formerly Invitae), Labcorp).